The following is an entry in ClinVar:

ClinVar aggregate classification (germline): Uncertain significance (1 of 4 stars; one submission).

Conditions:
Arrhythmogenic right ventricular dysplasia 11. Also called: ARRHYTHMOGENIC RIGHT VENTRICULAR DYSPLASIA, FAMILIAL, 11; Arrhythmogenic Right Ventricular Dysplasia/Cardiomyopathy11; Arrhythmogenic right ventricular dysplasia 11 with mild palmoplantar keratoderma and woolly hair. Identifiers: MedGen C1864850, MONDO:0012506, OMIM 610476.

gnomAD v4.1: 1 of 1,613,986 alleles (0.000062%); highest among the groups gnomAD compares: Non-Finnish European, 0.000085%; no homozygotes.

Submission:

Labcorp Genetics (formerly Invitae), Labcorp
Classification: Uncertain significance for Arrhythmogenic right ventricular dysplasia 11. Last evaluated: 2024-08-11. Review status: criteria provided, single submitter. Criteria: Invitae Variant Classification Sherloc (09022015). Collection method: clinical testing. Allele origin: germline.
Comment: This sequence change replaces lysine, which is basic and polar, with glutamic acid, which is acidic and polar, at codon 723 of the DSC2 protein (p.Lys723Glu). This variant is not present in population databases (gnomAD no frequency). This variant has not been reported in the literature in individuals affected with DSC2-related conditions. An algorithm developed to predict the effect of missense changes on protein structure and function outputs the following: PolyPhen-2: "Benign". The glutamic acid amino acid residue is found in multiple mammalian species, which suggests that this missense change does not adversely affect protein function. In summary, the available evidence is currently insufficient to determine the role of this variant in disease. Therefore, it has been classified as a Variant of Uncertain Significance.

NM_024422.6(DSC2):c.2167A>G (p.Lys723Glu)

Gene: DSC2 (desmocollin 2; minus strand). Cytogenetic location: 18q12.1.
Variant type: single nucleotide variant.
Coding change: c.2167A>G on transcript NM_024422.6 (MANE Select); coding-DNA position 2167, A replaced by G.
Protein change: p.Lys723Glu; replaces lysine 723 with glutamic acid.
Molecular consequence: missense variant.
Genome position (GRCh38, 1-based): chr18:31,070,809, T>C on the plus strand (A>G on the coding strand, the complement: DSC2 is on the minus strand). VCF-style: chr18-31070809-T-C. GRCh37 (hg19) VCF-style: chr18-28650775-T-C.
Other names: c.1738A>G, p.Lys580Glu (NM_001406506.1, NM_001406507.1); c.2167A>G, p.Lys723Glu (NM_004949.5); short protein forms K723E, K580E.
Identifiers: ClinVar variation 3702204 (VCV003702204.2).
Genomic context (GRCh38, chr18:31,070,809, plus strand): 5'-CTGTGTTTGATACAATTAGGTTCTGCTGGGCTAAATCATCAGGAATTACTTTTGGTTGTT[T>C]AGACGTCCCAGAAGCCCCACAGACCAGCGTAAACAGGATGCCTGGAGGAAGAAAGAAATA-3'
Protein context (NP_077740.1, residues 713-733): TLVCGASGTS[Lys723Glu]QPKVIPDDLA